The following is an entry in ClinVar:

ClinVar aggregate classification (germline): Uncertain significance (1 of 4 stars; one submission).

Submission:

Labcorp Genetics (formerly Invitae), Labcorp
Classification: Uncertain significance. Last evaluated: 2024-09-30. Review status: criteria provided, single submitter. Criteria: Invitae Variant Classification Sherloc (09022015). Collection method: clinical testing. Allele origin: germline.
Comment: This sequence change replaces valine, which is neutral and non-polar, with glutamic acid, which is acidic and polar, at codon 41 of the GABRB1 protein (p.Val41Glu). This variant is not present in population databases (gnomAD no frequency). This variant has not been reported in the literature in individuals affected with GABRB1-related conditions. Invitae Evidence Modeling of protein sequence and biophysical properties (such as structural, functional, and spatial information, amino acid conservation, physicochemical variation, residue mobility, and thermodynamic stability) indicates that this missense variant is not expected to disrupt GABRB1 protein function with a negative predictive value of 80%. In summary, the available evidence is currently insufficient to determine the role of this variant in disease. Therefore, it has been classified as a Variant of Uncertain Significance.

NM_000812.4(GABRB1):c.122T>A (p.Val41Glu)

Gene: GABRB1 (gamma-aminobutyric acid type A receptor subunit beta1; plus strand). Cytogenetic location: 4p12.
Variant type: single nucleotide variant.
Coding change: c.122T>A on transcript NM_000812.4 (MANE Select); coding-DNA position 122, T replaced by A.
Protein change: p.Val41Glu; replaces valine 41 with glutamic acid.
Molecular consequence: missense variant.
Genome position (GRCh38, 1-based): chr4:47,031,955, T>A. VCF-style: chr4-47031955-T-A. GRCh37 (hg19) VCF-style: chr4-47033972-T-A.
Other names: short protein forms V41E.
Identifiers: ClinVar variation 3664661 (VCV003664661.2).